The following is an entry in ClinVar:

ClinVar aggregate classification (germline): Uncertain significance (1 of 4 stars; one submission).

Conditions:
Hereditary cancer-predisposing syndrome. Also called: Neoplastic Syndromes, Hereditary; Tumor predisposition; Hereditary Cancer Syndrome; Hereditary neoplastic syndrome. Identifiers: Orphanet 140162, MedGen C0027672, MeSH D009386, MONDO:0015356.

Submissions (2):

Ambry Genetics
Classification: Uncertain significance for Hereditary cancer-predisposing syndrome. Last evaluated: 2025-11-24. Review status: criteria provided, single submitter. Criteria: Ambry Variant Classification Scheme 2023. Collection method: clinical testing. Allele origin: germline.
Comment: The p.A466V variant (also known as c.1397C>T), located in coding exon 10 of the SDHA gene, results from a C to T substitution at nucleotide position 1397. The alanine at codon 466 is replaced by valine, an amino acid with similar properties. This amino acid position is highly conserved in available vertebrate species. In addition, the in silico prediction for this alteration is inconclusive. Based on the available evidence, the clinical significance of this variant remains unclear.

Dr. Peter K. Rogan Lab, Western University
No classification provided (evidence only). Condition: Cervical cancer. Review status: no classification provided. Collection method: in vitro. Allele origin: not applicable. Functional consequence: retained intron. Not counted in ClinVar's aggregate classification.

NM_004168.4(SDHA):c.1397C>T (p.Ala466Val)

Gene: SDHA (succinate dehydrogenase complex flavoprotein subunit A; plus strand). Cytogenetic location: 5p15.33.
Variant type: single nucleotide variant.
Coding change: c.1397C>T on transcript NM_004168.4 (MANE Select); coding-DNA position 1397, C replaced by T.
Protein change: p.Ala466Val; replaces alanine 466 with valine.
Molecular consequence: missense variant.
Genome position (GRCh38, 1-based): chr5:236,564, C>T. VCF-style: chr5-236564-C-T. GRCh37 (hg19) VCF-style: chr5-236679-C-T.
Other names: NC_000005.9:g.236679C>T; c.1397C>T (NM_004168.2); c.1253C>T, p.Ala418Val (NM_001294332.2); c.1397C>T, p.Ala466Val (NM_001330758.2); short protein forms A418V, A466V.
Identifiers: ClinVar variation 4315312 (VCV004315312.1).